The following is an entry in ClinVar:

ClinVar aggregate classification (germline): Benign (1 of 4 stars; one submission).

Allele frequency attached by ClinVar (database versions not stated): 1000 Genomes Project 30x 0.02889; TOPMed 0.02400; 1000 Genomes Project 0.02696; gnomAD 0.02279 and 0.02146.
gnomAD v4.1: 5,271 of 941,436 alleles (0.56%); highest among the groups gnomAD compares: African/African-American, 7.1%; 179 homozygotes.

Submissions (6):

GeneDx
Classification: Benign. Last evaluated: 2018-06-18. Review status: criteria provided, single submitter. Criteria: GeneDx Variant Classification (06012015). Collection method: clinical testing. Allele origin: germline. Affected: yes.
Comment: This variant is considered likely benign or benign based on one or more of the following criteria: it is a conservative change, it occurs at a poorly conserved position in the protein, it is predicted to be benign by multiple in silico algorithms, and/or has population frequency not consistent with disease.

Dr. Peter K. Rogan Lab, Western University
No classification provided (evidence only). Condition: Uterine corpus endometrial carcinoma. Review status: no classification provided. Collection method: in vitro. Allele origin: not applicable. Functional consequence: retained intron. Not counted in ClinVar's aggregate classification.

Dr. Peter K. Rogan Lab, Western University
No classification provided (evidence only). Condition: Uterine corpus endometrial carcinoma. Review status: no classification provided. Collection method: in vitro. Allele origin: not applicable. Functional consequence: retained intron. Not counted in ClinVar's aggregate classification.

Dr. Peter K. Rogan Lab, Western University
No classification provided (evidence only). Condition: Sarcoma. Review status: no classification provided. Collection method: in vitro. Allele origin: not applicable. Functional consequence: retained intron. Not counted in ClinVar's aggregate classification.

Dr. Peter K. Rogan Lab, Western University
No classification provided (evidence only). Condition: Sarcoma. Review status: no classification provided. Collection method: in vitro. Allele origin: not applicable. Functional consequence: retained intron. Not counted in ClinVar's aggregate classification.

Dr. Peter K. Rogan Lab, Western University
No classification provided (evidence only). Condition: Sarcoma. Review status: no classification provided. Collection method: in vitro. Allele origin: not applicable. Functional consequence: retained intron. Not counted in ClinVar's aggregate classification.

NM_000136.3(FANCC):c.843+125G>A

Genes: AOPEP (aminopeptidase O (putative); plus strand), FANCC (FA complementation group C; minus strand). Cytogenetic location: 9q22.32.
Variant type: single nucleotide variant.
Coding change: c.843+125G>A on transcript NM_000136.3 (MANE Select); 125 bases into the intron after coding-DNA position 843, G replaced by A.
Molecular consequence: intron variant.
Genome position (GRCh38, 1-based): chr9:95,135,221, C>T on the plus strand (G>A on the coding strand, the complement: FANCC is on the minus strand). VCF-style: chr9-95135221-C-T. GRCh37 (hg19) VCF-style: chr9-97897503-C-T.
Other names: NC_000009.11:g.97897503C>T; c.843+125G>A (NM_001243743.2, NM_001243744.2).
Identifiers: ClinVar variation 676645 (VCV000676645.2), dbSNP rs4647507, ClinGen allele CA196562415.